The following is an entry in ClinVar:

NM_000069.3(CACNA1S):c.541+9C>T

Gene: CACNA1S (calcium voltage-gated channel subunit alpha1 S; minus strand). Cytogenetic location: 1q32.1.
Variant type: single nucleotide variant.
Coding change: c.541+9C>T on transcript NM_000069.3 (MANE Select); 9 bases into the intron after coding-DNA position 541, C replaced by T.
Molecular consequence: intron variant.
Genome position (GRCh38, 1-based): chr1:201,091,963, G>A on the plus strand (C>T on the coding strand, the complement: CACNA1S is on the minus strand). VCF-style: chr1-201091963-G-A. GRCh37 (hg19) VCF-style: chr1-201061091-G-A.
Identifiers: ClinVar variation 254848 (VCV000254848.17), dbSNP rs375541532, ClinGen allele CA083862.

ClinVar aggregate classification (germline): Benign/Likely benign. Review status: criteria provided, multiple submitters, no conflicts (2 of 4 stars). 7 submissions from 4 submitters: Benign (2); Likely benign (5). Last evaluated 2025-10-07.

Conditions:
Malignant hyperthermia, susceptibility to, 5 (MHS5). Also called: CACNA1S-Related Malignant Hyperthermia Susceptibility. Identifiers: Orphanet 423, MedGen C1866077, MONDO:0011163, OMIM 601887.
Hypokalemic periodic paralysis, type 1. Also called: HypoPP; Hypokalemic Periodic Paralysis Type 1 (AD). Identifiers: Orphanet 681, MedGen C3714580, MONDO:0042979, OMIM 170400.
Congenital myopathy 18. Also called: DIHYDROPYRIDINE RECEPTOR CONGENITAL MYOPATHY; DHPR CONGENITAL MYOPATHY; Myopathy, congenital, due to dihydropyridine receptor defect. Identifiers: MedGen C5830283, MONDO:0859514, OMIM 620246.
Thyrotoxic periodic paralysis, susceptibility to, 1 (TTPP1). Identifiers: Orphanet 79102, MedGen C2749982, MONDO:0008570, OMIM 188580.

Allele frequency attached by ClinVar (database versions not stated): gnomAD below 0.00001 and 0.00004; TOPMed below 0.00001; ESP Exome Variant Server 0.00008; 1000 Genomes Project 30x 0.00016; gnomAD exomes 0.00019 and 0.00033; 1000 Genomes Project 0.00020; ExAC 0.00031.
gnomAD v4.1: 270 of 1,614,024 alleles (0.017%); highest among the groups gnomAD compares: South Asian, 0.29%; 3 homozygotes.

Submissions (7):

Labcorp Genetics (formerly Invitae), Labcorp
Classification: Benign for Hypokalemic periodic paralysis, type 1; Malignant hyperthermia, susceptibility to, 5. Last evaluated: 2025-10-07. Review status: criteria provided, single submitter. Criteria: Invitae Variant Classification Sherloc (09022015). Collection method: clinical testing. Allele origin: germline.

Genome-Nilou Lab
Classification: Likely benign for Malignant hyperthermia, susceptibility to, 5. Last evaluated: 2023-04-11. Review status: criteria provided, single submitter. Criteria: ACMG Guidelines, 2015. Collection method: clinical testing. Allele origin: germline. Affected: no.

Genome-Nilou Lab
Classification: Likely benign for Thyrotoxic periodic paralysis, susceptibility to, 1. Last evaluated: 2023-04-11. Review status: criteria provided, single submitter. Criteria: ACMG Guidelines, 2015. Collection method: clinical testing. Allele origin: germline. Affected: no.

Genome-Nilou Lab
Classification: Likely benign for Congenital myopathy 18. Last evaluated: 2023-04-11. Review status: criteria provided, single submitter. Criteria: ACMG Guidelines, 2015. Collection method: clinical testing. Allele origin: germline. Affected: no.

Genome-Nilou Lab
Classification: Likely benign for Hypokalemic periodic paralysis, type 1. Last evaluated: 2023-04-11. Review status: criteria provided, single submitter. Criteria: ACMG Guidelines, 2015. Collection method: clinical testing. Allele origin: germline. Affected: no.

Illumina Laboratory Services, Illumina
Classification: Benign for Hypokalemic periodic paralysis, type 1. Last evaluated: 2018-01-13. Review status: criteria provided, single submitter. Criteria: ICSL Variant Classification Criteria 13 December 2019. Collection method: clinical testing. Allele origin: germline.
Comment: This variant was observed in the ICSL laboratory as part of a predisposition screen in an ostensibly healthy population. It had not been previously curated by ICSL or reported in the Human Gene Mutation Database (HGMD: prior to June 1st, 2018), and was therefore a candidate for classification through an automated scoring system. Utilizing variant allele frequency, disease prevalence and penetrance estimates, and inheritance mode, an automated score was calculated to assess if this variant is too frequent to cause the disease. Based on the score and internal cut-off values, a variant classified as benign is not then subjected to further curation. The score for this variant resulted in a classification of benign for this disease.

PreventionGenetics, part of Exact Sciences
Classification: Likely benign. Review status: criteria provided, single submitter. Criteria: ACMG Guidelines, 2015. Collection method: clinical testing. Allele origin: germline.